The following is an entry in ClinVar:

ClinVar aggregate classification (germline): Benign (1 of 4 stars; one submission).

Allele frequency attached by ClinVar (database versions not stated): gnomAD 0.57958 and 0.58350; TOPMed 0.58042; 1000 Genomes Project 30x 0.64085; 1000 Genomes Project 0.64996.
gnomAD v4.1: 88,833 of 152,150 alleles (58%); highest among the groups gnomAD compares: East Asian, 90%; 26,445 homozygotes.

Submission:

GeneDx
Classification: Benign. Last evaluated: 2018-06-19. Review status: criteria provided, single submitter. Criteria: GeneDx Variant Classification (06012015). Collection method: clinical testing. Allele origin: germline. Affected: yes.
Comment: This variant is considered likely benign or benign based on one or more of the following criteria: it is a conservative change, it occurs at a poorly conserved position in the protein, it is predicted to be benign by multiple in silico algorithms, and/or has population frequency not consistent with disease.

NM_024312.5(GNPTAB):c.1285-166G>A

Gene: GNPTAB (N-acetylglucosamine-1-phosphate transferase subunits alpha and beta; minus strand). Cytogenetic location: 12q23.2.
Variant type: single nucleotide variant.
Coding change: c.1285-166G>A on transcript NM_024312.5 (MANE Select); 166 bases into the intron before coding-DNA position 1285, G replaced by A.
Molecular consequence: intron variant.
Genome position (GRCh38, 1-based): chr12:101,768,326, C>T on the plus strand (G>A on the coding strand, the complement: GNPTAB is on the minus strand). VCF-style: chr12-101768326-C-T. GRCh37 (hg19) VCF-style: chr12-102162104-C-T.
Identifiers: ClinVar variation 671996 (VCV000671996.1), dbSNP rs7963747, ClinGen allele CA13599396.
Genomic context (GRCh38, chr12:101,768,326, plus strand): 5'-TAAAATTTTCAAAGGGCTCAGCGTTCACACTCACAAGTGCTTTAAGTTTGCCTGTACCTA[C>T]AGTCATTGTTTAGATCCTGCTGCGTTGACCGTTCTTACTGAGCGTATTTACTTTTTTTCC-3'